The following is an entry in ClinVar:

NM_133497.4(KCNV2):c.666G>C (p.Ala222=)

Gene: KCNV2 (potassium voltage-gated channel modifier subfamily V member 2; plus strand). Cytogenetic location: 9p24.2.
Variant type: single nucleotide variant.
Coding change: c.666G>C on transcript NM_133497.4 (MANE Select); coding-DNA position 666, G replaced by C.
Protein change: p.Ala222=; no amino-acid change (alanine 222 retained).
Molecular consequence: synonymous variant.
Genome position (GRCh38, 1-based): chr9:2,718,405, G>C. VCF-style: chr9-2718405-G-C. GRCh37 (hg19) VCF-style: chr9-2718405-G-C.
Identifiers: ClinVar variation 1595895 (VCV001595895.32), dbSNP rs746837965, ClinGen allele CA4965568.

ClinVar aggregate classification (germline): Likely benign. Review status: criteria provided, multiple submitters, no conflicts (2 of 4 stars). 4 submissions from 4 submitters: Likely benign (4). Last evaluated 2025-10-08.

Allele frequency attached by ClinVar (database versions not stated): ExAC 0.00003; gnomAD 0.00003; TOPMed 0.00003; gnomAD exomes 0.00004.
gnomAD v4.1: 63 of 1,602,048 alleles (0.0039%); highest among the groups gnomAD compares: Non-Finnish European, 0.0052%; no homozygotes.

Submissions (4):

Labcorp Genetics (formerly Invitae), Labcorp
Classification: Likely benign. Last evaluated: 2025-10-08. Review status: criteria provided, single submitter. Criteria: Invitae Variant Classification Sherloc (09022015). Collection method: clinical testing. Allele origin: germline.

CeGaT Center for Human Genetics Tuebingen
Classification: Likely benign. Last evaluated: 2024-02-01. Review status: criteria provided, single submitter. Criteria: CeGaT Center For Human Genetics Tuebingen Variant Classification Criteria Version 2. Collection method: clinical testing. Allele origin: germline. Affected: yes. Observed: 1 variant allele.
Comment: KCNV2: BP4, BP7

Blueprint Genetics
Classification: Likely benign. Last evaluated: 2023-08-29. Review status: criteria provided, single submitter. Criteria: ACMG Guidelines, 2015. Collection method: clinical testing. Allele origin: germline.

Breakthrough Genomics
Classification: Likely benign. Review status: criteria provided, single submitter. Criteria: ACMG Guidelines, 2015. Collection method: not provided. Allele origin: germline. Inheritance: Autosomal recessive inheritance. Affected: yes.